The following is an entry in ClinVar:

ClinVar aggregate classification (germline): Uncertain significance (1 of 4 stars; one submission).

Conditions:
Ehlers-Danlos syndrome, classic type, 1 (EDSCL1). Also called: EDS I; EHLERS-DANLOS SYNDROME, GRAVIS TYPE; EHLERS-DANLOS SYNDROME, SEVERE CLASSIC TYPE; Ehlers-Danlos syndrome, type 1; Ehlers-Danlos Syndrome, Classic Type, COL5A1-Related. Identifiers: MedGen C0268335, MONDO:0019567, OMIM 130000.
Osteogenesis imperfecta type I (OI1). Also called: Classic Non-deforming Osteogenesis Imperfecta with Blue Sclerae; OI, TYPE I; OSTEOGENESIS IMPERFECTA TARDA; OSTEOGENESIS IMPERFECTA WITH BLUE SCLERAE; Osteogenesis imperfecta type 1; Lobstein's Disease. Identifiers: Orphanet 216796, Orphanet 666, MedGen C0023931, MONDO:0008146, OMIM 166200. Disease mechanism: loss of function.

Submission:

Labcorp Genetics (formerly Invitae), Labcorp
Classification: Uncertain significance for Osteogenesis imperfecta type I; Ehlers-Danlos syndrome, classic type, 1. Last evaluated: 2022-08-21. Review status: criteria provided, single submitter. Criteria: Invitae Variant Classification Sherloc (09022015). Collection method: clinical testing. Allele origin: germline.
Comment: This variant is a gross deletion of the genomic region encompassing exon(s) 3 of the COL1A2 gene. This variant would be expected to be in-frame, preserving the integrity of the reading frame. This variant has not been reported in the literature in individuals affected with COL1A2-related conditions. Experimental studies and prediction algorithms are not available or were not evaluated, and the functional significance of this variant is currently unknown. In summary, the available evidence is currently insufficient to determine the role of this variant in disease. Therefore, it has been classified as a Variant of Uncertain Significance.

NC_000007.13:g.(?_94027674)_(94027728_?)del

Gene: COL1A2 (collagen type I alpha 2 chain; plus strand). Cytogenetic location: 7q21.3.
Variant type: Deletion.
Identifiers: ClinVar variation 2422335 (VCV002422335.6).